The following is an entry in ClinVar:

NM_001365308.1(BMPER):c.552C>G (p.Ser184Arg)

Gene: BMPER (BMP binding endothelial regulator; plus strand). Cytogenetic location: 7p14.3.
Variant type: single nucleotide variant.
Coding change: c.552C>G on transcript NM_001365308.1 (MANE Select); coding-DNA position 552, C replaced by G.
Protein change: p.Ser184Arg; replaces serine 184 with arginine.
Molecular consequence: missense variant.
Genome position (GRCh38, 1-based): chr7:33,974,760, C>G. VCF-style: chr7-33974760-C-G. GRCh37 (hg19) VCF-style: chr7-34014372-C-G.
Other names: c.552C>G, p.Ser184Arg (NM_133468.5); short protein forms S184R.
Identifiers: ClinVar variation 1473528 (VCV001473528.6), dbSNP rs2128619796, ClinGen allele CA367259509.
Genomic context (GRCh38, chr7:33,974,760, plus strand): 5'-AGGCTGTGTGTTTGAGGGTGTGCAGTATCAAGAAGGGGAGGAATTTCAGCCAGAAGGAAG[C>G]AAATGTACCAAGTGTTCCTGCACTGTAAGTCCTGCTGTGGATGTTCCCAGGGTGTCCTTT-3'
Protein context (NP_001352237.1, residues 174-194): QEGEEFQPEG[Ser184Arg]KCTKCSCTGG

ClinVar aggregate classification (germline): Uncertain significance (1 of 4 stars; one submission).

Submission:

Labcorp Genetics (formerly Invitae), Labcorp
Classification: Uncertain significance. Last evaluated: 2021-09-06. Review status: criteria provided, single submitter. Criteria: Invitae Variant Classification Sherloc (09022015). Collection method: clinical testing. Allele origin: germline.
Comment: In summary, the available evidence is currently insufficient to determine the role of this variant in disease. Therefore, it has been classified as a Variant of Uncertain Significance. Algorithms developed to predict the effect of missense changes on protein structure and function (SIFT, PolyPhen-2, Align-GVGD) all suggest that this variant is likely to be tolerated. This variant has not been reported in the literature in individuals affected with BMPER-related conditions. This variant is not present in population databases (ExAC no frequency). This sequence change replaces serine with arginine at codon 184 of the BMPER protein (p.Ser184Arg). The serine residue is weakly conserved and there is a moderate physicochemical difference between serine and arginine.